The following is an entry in ClinVar:

ClinVar aggregate classification (germline): Uncertain significance. Review status: criteria provided, single submitter (1 of 4 stars). 2 submissions from 2 submitters: Uncertain significance (1). 1 of the submissions does not count toward it. Last evaluated 2024-04-09.

Conditions:
Chuvash polycythemia. Also called: POLYCYTHEMIA, VHL-DEPENDENT. Identifiers: Orphanet 238557, MedGen C1837915, MONDO:0009892, OMIM 263400.
Von Hippel-Lindau syndrome (VHLS). Also called: Von Hippel-Lindau; von Hippel–Lindau syndrome; VHL syndrome. Identifiers: Orphanet 892, MedGen C0019562, MONDO:0008667, OMIM 193300. Disease mechanism: loss of function.
VHL-related disorder. Also called: VHL-related condition.

Submissions (2):

Labcorp Genetics (formerly Invitae), Labcorp
Classification: Uncertain significance for Von Hippel-Lindau syndrome; Chuvash polycythemia. Last evaluated: 2024-04-09. Review status: criteria provided, single submitter. Criteria: Invitae Variant Classification Sherloc (09022015). Collection method: clinical testing. Allele origin: germline.
Comment: This sequence change replaces glycine, which is neutral and non-polar, with valine, which is neutral and non-polar, at codon 19 of the VHL protein (p.Gly19Val). This variant is not present in population databases (gnomAD no frequency). This variant has not been reported in the literature in individuals affected with VHL-related conditions. ClinVar contains an entry for this variant (Variation ID: 1442279). Advanced modeling of protein sequence and biophysical properties (such as structural, functional, and spatial information, amino acid conservation, physicochemical variation, residue mobility, and thermodynamic stability) performed at Invitae indicates that this missense variant is not expected to disrupt VHL protein function with a negative predictive value of 95%. In summary, the available evidence is currently insufficient to determine the role of this variant in disease. Therefore, it has been classified as a Variant of Uncertain Significance.

PreventionGenetics, part of Exact Sciences
Classification: Uncertain significance for VHL-related condition. Last evaluated: 2024-01-11. Review status: no assertion criteria provided. Collection method: clinical testing. Allele origin: germline. Not counted in ClinVar's aggregate classification.
Comment: The VHL c.56G>T variant is predicted to result in the amino acid substitution p.Gly19Val. To our knowledge, this variant has not been reported in the literature or in a large population database, indicating this variant is rare. It is interpreted as uncertain significance in ClinVar. At this time, the clinical significance of this variant is uncertain due to the absence of conclusive functional and genetic evidence.

NM_000551.4(VHL):c.56G>T (p.Gly19Val)

Gene: VHL (von Hippel-Lindau tumor suppressor; plus strand). Cytogenetic location: 3p25.3.
Variant type: single nucleotide variant.
Coding change: c.56G>T on transcript NM_000551.4 (MANE Select); coding-DNA position 56, G replaced by T.
Protein change: p.Gly19Val; replaces glycine 19 with valine.
Molecular consequence: missense variant.
Genome position (GRCh38, 1-based): chr3:10,141,903, G>T. VCF-style: chr3-10141903-G-T. GRCh37 (hg19) VCF-style: chr3-10183587-G-T.
Other names: c.56G>T, p.Gly19Val (NM_001354723.2, NM_198156.3); c.56G>T (NM_000551.3); short protein forms G19V.
Identifiers: ClinVar variation 1442279 (VCV001442279.10), dbSNP rs2125124549, ClinGen allele CA351747296.